The following is an entry in ClinVar:

ClinVar aggregate classification (germline): Uncertain significance (1 of 4 stars; one submission).

Conditions:
Familial hypobetalipoproteinemia 1. Also called: APOB-Related Familial Hypobetalipoproteinemia; Hypobetalipoproteinemia, normotriglyceridemic; Acanthocytosis with hypobetalipoproteinemia. Identifiers: MedGen C4551990, MONDO:0014252, OMIM 615558.
Hypercholesterolemia, autosomal dominant, type B (FHCL2). Also called: Familial Hypercholesterolemia Type B; APOLIPOPROTEIN B-100, FAMILIAL DEFECTIVE; APOLIPOPROTEIN B-100, FAMILIAL LIGAND-DEFECTIVE; HYPERCHOLESTEROLEMIA, FAMILIAL, DUE TO LIGAND-DEFECTIVE APOLIPOPROTEIN B; APOB-Related Familial Hypercholesterolemia, Autosomal Dominant; Familial hypercholesterolemia 2. Identifiers: MedGen C1704417, MONDO:0007751, OMIM 144010.

Allele frequency attached by ClinVar (database versions not stated): gnomAD 0.00001.
gnomAD v4.1: 1 of 1,613,964 alleles (0.000062%); highest among the groups gnomAD compares: East Asian, 0.0022%; no homozygotes.

Submission:

Labcorp Genetics (formerly Invitae), Labcorp
Classification: Uncertain significance for Familial hypobetalipoproteinemia 1; Hypercholesterolemia, autosomal dominant, type B. Last evaluated: 2021-05-06. Review status: criteria provided, single submitter. Criteria: Invitae Variant Classification Sherloc (09022015). Collection method: clinical testing. Allele origin: germline.
Comment: This variant is not present in population databases (ExAC no frequency). In summary, the available evidence is currently insufficient to determine the role of this variant in disease. Therefore, it has been classified as a Variant of Uncertain Significance. Algorithms developed to predict the effect of missense changes on protein structure and function are either unavailable or do not agree on the potential impact of this missense change (SIFT: "Deleterious"; PolyPhen-2: "Possibly Damaging"; Align-GVGD: "Class C0"). This variant has not been reported in the literature in individuals with APOB-related conditions. This sequence change replaces leucine with isoleucine at codon 3444 of the APOB protein (p.Leu3444Ile). The leucine residue is moderately conserved and there is a small physicochemical difference between leucine and isoleucine.

NM_000384.3(APOB):c.10330C>A (p.Leu3444Ile)

Gene: APOB (apolipoprotein B; minus strand). Cytogenetic location: 2p24.1.
Variant type: single nucleotide variant.
Coding change: c.10330C>A on transcript NM_000384.3 (MANE Select); coding-DNA position 10330, C replaced by A.
Protein change: p.Leu3444Ile; replaces leucine 3444 with isoleucine.
Molecular consequence: missense variant.
Genome position (GRCh38, 1-based): chr2:21,006,538, G>T on the plus strand (C>A on the coding strand, the complement: APOB is on the minus strand). VCF-style: chr2-21006538-G-T. GRCh37 (hg19) VCF-style: chr2-21229410-G-T.
Other names: short protein forms L3444I.
Identifiers: ClinVar variation 1366331 (VCV001366331.8), dbSNP rs1389738027, ClinGen allele CA345986764.
Genomic context (GRCh38, chr2:21,006,538, plus strand): 5'-AATCATACTTAAATTCCATGGAGGAAGAGACAGTAGGTTTTGACTTGGTATTTCCATTAA[G>T]TTCTTGCTTGAAATTCATTCTCAAAATTGGAATTTGGGCTTTTGTGGTTGTTGCCACTGA-3'
Protein context (NP_000375.3, residues 3434-3454): PILRMNFKQE[Leu3444Ile]NGNTKSKPTV